The following is an entry in ClinVar:

NM_031935.3(HMCN1):c.13375T>G (p.Leu4459Val)

Gene: HMCN1 (hemicentin 1; plus strand). Cytogenetic location: 1q31.1.
Variant type: single nucleotide variant.
Coding change: c.13375T>G on transcript NM_031935.3 (MANE Select); coding-DNA position 13375, T replaced by G.
Protein change: p.Leu4459Val; replaces leucine 4459 with valine.
Molecular consequence: missense variant.
Genome position (GRCh38, 1-based): chr1:186,136,730, T>G. VCF-style: chr1-186136730-T-G. GRCh37 (hg19) VCF-style: chr1-186105862-T-G.
Other names: short protein forms L4459V.
Identifiers: ClinVar variation 1933898 (VCV001933898.5), dbSNP rs2528092117, ClinGen allele CA343910669.
Genomic context (GRCh38, chr1:186,136,730, plus strand): 5'-CCTCCTATTATCACTCTTGAGCCAGTGGAAACTGTTATTAATGCTGGTGGCAAAATCATA[T>G]TGAATTGTCAGGCAACTGGAGAGCCTCAACCAACCATTACATGGTCCCGTCAAGGGCACT-3'
Protein context (NP_114141.2, residues 4449-4469): TVINAGGKII[Leu4459Val]NCQATGEPQP

ClinVar aggregate classification (germline): Uncertain significance (1 of 4 stars; one submission).

gnomAD v4.1: 1 of 1,614,022 alleles (0.000062%); highest among the groups gnomAD compares: African/African-American, 0.0013%; no homozygotes.

Submission:

Labcorp Genetics (formerly Invitae), Labcorp
Classification: Uncertain significance. Last evaluated: 2021-12-20. Review status: criteria provided, single submitter. Criteria: Invitae Variant Classification Sherloc (09022015). Collection method: clinical testing. Allele origin: germline.
Comment: This sequence change replaces leucine, which is neutral and non-polar, with valine, which is neutral and non-polar, at codon 4459 of the HMCN1 protein (p.Leu4459Val). This variant is not present in population databases (gnomAD no frequency). This variant has not been reported in the literature in individuals affected with HMCN1-related conditions. Algorithms developed to predict the effect of missense changes on protein structure and function (SIFT, PolyPhen-2, Align-GVGD) all suggest that this variant is likely to be disruptive. In summary, the available evidence is currently insufficient to determine the role of this variant in disease. Therefore, it has been classified as a Variant of Uncertain Significance.